The following is an entry in ClinVar:

ClinVar aggregate classification (germline): Uncertain significance (1 of 4 stars; one submission).

Conditions:
Mitochondrial trifunctional protein deficiency. Identifiers: Orphanet 746, MedGen C1969443, MONDO:0012172.

gnomAD v4.1: 1 of 1,613,558 alleles (0.000062%); no homozygotes.

Submission:

Labcorp Genetics (formerly Invitae), Labcorp
Classification: Uncertain significance for Mitochondrial trifunctional protein deficiency. Last evaluated: 2024-02-24. Review status: criteria provided, single submitter. Criteria: Invitae Variant Classification Sherloc (09022015). Collection method: clinical testing. Allele origin: germline.
Comment: This sequence change replaces alanine, which is neutral and non-polar, with threonine, which is neutral and polar, at codon 252 of the HADHB protein (p.Ala252Thr). This variant is not present in population databases (gnomAD no frequency). This missense change has been observed in individual(s) with a positive newborn screening result for HADHB-related disease (Invitae). ClinVar contains an entry for this variant (Variation ID: 664748). Advanced modeling of protein sequence and biophysical properties (such as structural, functional, and spatial information, amino acid conservation, physicochemical variation, residue mobility, and thermodynamic stability) has been performed at Invitae for this missense variant, however the output from this modeling did not meet the statistical confidence thresholds required to predict the impact of this variant on HADHB protein function. In summary, the available evidence is currently insufficient to determine the role of this variant in disease. Therefore, it has been classified as a Variant of Uncertain Significance.

NM_000183.3(HADHB):c.754G>A (p.Ala252Thr)

Gene: HADHB (hydroxyacyl-CoA dehydrogenase trifunctional multienzyme complex subunit beta; plus strand). Cytogenetic location: 2p23.3.
Variant type: single nucleotide variant.
Coding change: c.754G>A on transcript NM_000183.3 (MANE Select); coding-DNA position 754, G replaced by A.
Protein change: p.Ala252Thr; replaces alanine 252 with threonine.
Molecular consequence: missense variant.
Genome position (GRCh38, 1-based): chr2:26,279,258, G>A. VCF-style: chr2-26279258-G-A. GRCh37 (hg19) VCF-style: chr2-26502126-G-A.
Other names: c.709G>A, p.Ala237Thr (NM_001281512.2); c.688G>A, p.Ala230Thr (NM_001281513.2); short protein forms A230T, A252T, A237T.
Identifiers: ClinVar variation 664748 (VCV000664748.3), dbSNP rs770044899, ClinGen allele CA346093082.